The following is an entry in ClinVar:

NM_052947.4(ALPK2):c.2905G>A (p.Ala969Thr)

Gene: ALPK2 (alpha kinase 2; minus strand). Cytogenetic location: 18q21.31.
Variant type: single nucleotide variant.
Coding change: c.2905G>A on transcript NM_052947.4 (MANE Select); coding-DNA position 2905, G replaced by A.
Protein change: p.Ala969Thr; replaces alanine 969 with threonine.
Molecular consequence: missense variant.
Genome position (GRCh38, 1-based): chr18:58,537,282, C>T on the plus strand (G>A on the coding strand, the complement: ALPK2 is on the minus strand). VCF-style: chr18-58537282-C-T. GRCh37 (hg19) VCF-style: chr18-56204514-C-T.
Other names: short protein forms A969T.
Identifiers: ClinVar variation 1797501 (VCV001797501.3), dbSNP rs371835741, ClinGen allele CA8976994.

ClinVar aggregate classification (germline): Uncertain significance (1 of 4 stars; one submission).

Allele frequency attached by ClinVar (database versions not stated): gnomAD 0.00003; TOPMed 0.00005; gnomAD exomes 0.00006; ESP Exome Variant Server 0.00008; ExAC 0.00013; 1000 Genomes Project 30x 0.00016; 1000 Genomes Project 0.00020.

Submission:

Ambry Genetics
Classification: Uncertain significance. Last evaluated: 2024-10-11. Review status: criteria provided, single submitter. Criteria: Ambry Variant Classification Scheme 2023. Collection method: clinical testing. Allele origin: germline.
Comment: The p.A969T variant (also known as c.2905G>A), located in coding exon 4 of the ALPK2 gene, results from a G to A substitution at nucleotide position 2905. The alanine at codon 969 is replaced by threonine, an amino acid with similar properties. This amino acid position is conserved. In addition, this alteration is predicted to be tolerated by in silico analysis. Since supporting evidence is limited at this time, the clinical significance of this alteration remains unclear.